The following is an entry in ClinVar:

ClinVar aggregate classification (germline): Uncertain significance (1 of 4 stars; one submission).

Conditions:
Brown-Vialetto-van Laere syndrome 1. Also called: BROWN-VIALETTO-VAN LAERE SYNDROME 1, MILD; BULBAR PALSY, PROGRESSIVE, WITH SENSORINEURAL DEAFNESS; PONTOBULBAR PALSY WITH DEAFNESS. Identifiers: Orphanet 572550, Orphanet 97229, MedGen C0796274, MONDO:0024537, OMIM 211530.

Submission:

Labcorp Genetics (formerly Invitae), Labcorp
Classification: Uncertain significance for Brown-Vialetto-van Laere syndrome 1. Last evaluated: 2021-02-01. Review status: criteria provided, single submitter. Criteria: Invitae Variant Classification Sherloc (09022015). Collection method: clinical testing. Allele origin: germline.
Comment: In summary, the available evidence is currently insufficient to determine the role of this variant in disease. Therefore, it has been classified as a Variant of Uncertain Significance. Algorithms developed to predict the effect of missense changes on protein structure and function output the following: SIFT: "Tolerated"; PolyPhen-2: "Benign"; Align-GVGD: "Class C0". The isoleucine amino acid residue is found in multiple mammalian species, suggesting that this missense change does not adversely affect protein function. These predictions have not been confirmed by published functional studies and their clinical significance is uncertain. This variant has not been reported in the literature in individuals with SLC52A3-related conditions. This variant is not present in population databases (ExAC no frequency). This sequence change replaces valine with isoleucine at codon 397 of the SLC52A3 protein (p.Val397Ile). The valine residue is moderately conserved and there is a small physicochemical difference between valine and isoleucine.

NM_033409.4(SLC52A3):c.1189G>A (p.Val397Ile)

Gene: SLC52A3 (solute carrier family 52 member 3; minus strand). Cytogenetic location: 20p13.
Variant type: single nucleotide variant.
Coding change: c.1189G>A on transcript NM_033409.4 (MANE Select); coding-DNA position 1189, G replaced by A.
Protein change: p.Val397Ile; replaces valine 397 with isoleucine.
Molecular consequence: missense variant.
Genome position (GRCh38, 1-based): chr20:761,709, C>T on the plus strand (G>A on the coding strand, the complement: SLC52A3 is on the minus strand). VCF-style: chr20-761709-C-T. GRCh37 (hg19) VCF-style: chr20-742353-C-T.
Other names: c.1189G>A, p.Val397Ile (NM_001370085.1, NM_001370086.1); short protein forms V397I.
Identifiers: ClinVar variation 1506578 (VCV001506578.8), dbSNP rs2122509059, ClinGen allele CA407962251.